The following is an entry in ClinVar:

NM_001267550.2(TTN):c.71351_71352insGGTA (p.Thr23785fs)

Genes: TTN (titin; minus strand), TTN-AS1 (TTN antisense RNA 1; plus strand). Cytogenetic location: 2q31.2.
Variant type: Insertion.
Coding change: c.71351_71352insGGTA on transcript NM_001267550.2 (MANE Select); coding-DNA positions 71351 to 71352, GGTA inserted.
Protein change: p.Thr23785fs; shifts the reading frame from threonine 23785.
Molecular consequence: frameshift variant.
Genome position: GRCh38 VCF-style: chr2-178574780-A-ATACC. GRCh37 (hg19) VCF-style: chr2-179439507-A-ATACC.
Other names: c.66428_66429insGGTA, p.Thr22144fs (NM_001256850.1); c.44156_44157insGGTA, p.Thr14720fs (NM_003319.4); c.63647_63648insGGTA, p.Thr21217fs (NM_133378.4); c.44531_44532insGGTA, p.Thr14845fs (NM_133432.3); c.44732_44733insGGTA, p.Thr14912fs (NM_133437.4); short protein forms T14720fs, T14845fs, T14912fs, T21217fs, T22144fs, T23785fs.
Identifiers: ClinVar variation 1067830 (VCV001067830.9), dbSNP rs2154171770, ClinGen allele CA2499215378.

ClinVar aggregate classification (germline): Likely pathogenic (1 of 4 stars; one submission).

Conditions:
Dilated cardiomyopathy 1G (CMD1G). Identifiers: Orphanet 154, MedGen C1858763, MONDO:0011400, OMIM 604145.
Autosomal recessive limb-girdle muscular dystrophy type 2J (LGMDR10). Also called: Limb-girdle muscular dystrophy, type 2J; MUSCULAR DYSTROPHY, LIMB-GIRDLE, AUTOSOMAL RECESSIVE 10. Identifiers: Orphanet 140922, MedGen C1837342, MONDO:0012127, OMIM 608807.

Submission:

Labcorp Genetics (formerly Invitae), Labcorp
Classification: Likely pathogenic for Dilated cardiomyopathy 1G; Autosomal recessive limb-girdle muscular dystrophy type 2J. Last evaluated: 2020-09-03. Review status: criteria provided, single submitter. Criteria: Invitae Variant Classification Sherloc (09022015). Collection method: clinical testing. Allele origin: germline.
Comment: Algorithms developed to predict the effect of sequence changes on RNA splicing suggest that this variant may create or strengthen a splice site, but this prediction has not been confirmed by published transcriptional studies. In summary, the currently available evidence indicates that the variant is pathogenic, but additional data are needed to prove that conclusively. Therefore, this variant has been classified as Likely Pathogenic. This variant is located in the A band of TTN (PMID: 25589632). Truncating variants in this region are significantly overrepresented in patients affected with dilated cardiomyopathy (PMID: 25589632). Truncating variants in this region have also been reported in individuals affected with autosomal recessive centronuclear myopathy (PMID: 23975875). This variant has not been reported in the literature in individuals with TTN-related conditions. This variant is not present in population databases (ExAC no frequency). This sequence change results in a premature translational stop signal in the TTN gene (p.Thr23785Valfs*4). While this is not anticipated to result in nonsense mediated decay, it is expected to create a truncated TTN protein.

Literature cited by the submitters: PubMed 25589632; PubMed 23975875.